The following is an entry in ClinVar:

NM_017667.4(VPS50):c.540+2T>C

Gene: VPS50 (VPS50 subunit of EARP/GARPII complex; plus strand). Cytogenetic location: 7q21.2.
Variant type: single nucleotide variant.
Coding change: c.540+2T>C on transcript NM_017667.4 (MANE Select); the canonical splice donor site of the intron after coding-DNA position 540, T replaced by C.
Molecular consequence: splice donor variant.
Genome position (GRCh38, 1-based): chr7:93,258,278, T>C. VCF-style: chr7-93258278-T-C. GRCh37 (hg19) VCF-style: chr7-92887590-T-C.
Other names: c.450+2T>C (NM_001257998.2); c.540+2T>C (NM_024553.3).
Identifiers: ClinVar variation 4978651 (VCV004978651.1).

ClinVar aggregate classification (germline): Uncertain significance (1 of 4 stars; one submission).

Conditions:
VPS50-related condition.

gnomAD v4.1: 4 of 1,550,270 alleles (0.00026%); highest among the groups gnomAD compares: Non-Finnish European, 0.00036%; no homozygotes.

Submission:

PreventionGenetics, part of Exact Sciences
Classification: Uncertain significance for VPS50-related condition. Last evaluated: 2025-02-08. Review status: criteria provided, single submitter. Criteria: ACMG Guidelines, 2015. Collection method: clinical testing. Allele origin: germline.
Comment: The VPS50 c.540+2T>C variant is predicted to disrupt the GT donor site and interfere with normal splicing. To our knowledge, this variant has not been reported in the literature or in a large population database (gnomAD), indicating this variant is rare. Although we suspect that this variant may be pathogenic, at this time, the clinical significance of this variant is uncertain due to the absence of conclusive functional and genetic evidence.